The following is an entry in ClinVar:

ClinVar aggregate classification (germline): Conflicting classifications of pathogenicity. Review status: criteria provided, conflicting classifications (1 of 4 stars). 3 submissions from 3 submitters: Uncertain significance (2); Likely benign (1). Last evaluated 2025-09-03.

Conditions:
Hereditary nonpolyposis colorectal neoplasms. Identifiers: MedGen C0009405, MeSH D003123.
Hereditary cancer-predisposing syndrome. Also called: Neoplastic Syndromes, Hereditary; Tumor predisposition; Hereditary Cancer Syndrome; Hereditary neoplastic syndrome. Identifiers: Orphanet 140162, MedGen C0027672, MeSH D009386, MONDO:0015356.

Submissions (3):

Labcorp Genetics (formerly Invitae), Labcorp
Classification: Uncertain significance for Hereditary nonpolyposis colorectal neoplasms. Last evaluated: 2025-09-03. Review status: criteria provided, single submitter. Criteria: Invitae Variant Classification Sherloc (09022015). Collection method: clinical testing. Allele origin: germline.
Comment: This sequence change replaces valine, which is neutral and non-polar, with isoleucine, which is neutral and non-polar, at codon 615 of the PMS2 protein (p.Val615Ile). This variant is not present in population databases (gnomAD no frequency). This variant has not been reported in the literature in individuals affected with PMS2-related conditions. ClinVar contains an entry for this variant (Variation ID: 923770). Invitae Evidence Modeling incorporating data from in vitro experimental studies (internal data) indicates that this missense variant is not expected to disrupt PMS2 function with a negative predictive value of 95%. In summary, the available evidence is currently insufficient to determine the role of this variant in disease. Therefore, it has been classified as a Variant of Uncertain Significance.

Ambry Genetics
Classification: Likely benign for Hereditary cancer-predisposing syndrome. Last evaluated: 2024-04-01. Review status: criteria provided, single submitter. Criteria: Ambry Variant Classification Scheme 2023. Collection method: clinical testing. Allele origin: germline.

Color Diagnostics, LLC DBA Color Health
Classification: Uncertain significance for Hereditary cancer-predisposing syndrome. Last evaluated: 2022-12-03. Review status: criteria provided, single submitter. Criteria: ACMG Guidelines, 2015. Collection method: clinical testing. Allele origin: germline.
Comment: This missense variant replaces valine with isoleucine at codon 615 of the PMS2 protein. Computational prediction suggests that this variant may not impact protein structure and function (internally defined REVEL score threshold <= 0.5, PMID: 27666373). To our knowledge, functional studies have not been reported for this variant. This variant has not been reported in individuals affected with PMS2-related disorders in the literature. This variant has not been identified in the general population by the Genome Aggregation Database (gnomAD). The available evidence is insufficient to determine the role of this variant in disease conclusively. Therefore, this variant is classified as a Variant of Uncertain Significance.

NM_000535.7(PMS2):c.1843G>A (p.Val615Ile)

Gene: PMS2 (PMS1 homolog 2, mismatch repair system component; minus strand). Cytogenetic location: 7p22.1.
Variant type: single nucleotide variant.
Coding change: c.1843G>A on transcript NM_000535.7 (MANE Select); coding-DNA position 1843, G replaced by A.
Protein change: p.Val615Ile; replaces valine 615 with isoleucine.
Molecular consequence: missense variant. On other transcripts: non-coding transcript variant (1).
Genome position (GRCh38, 1-based): chr7:5,986,922, C>T on the plus strand (G>A on the coding strand, the complement: PMS2 is on the minus strand). VCF-style: chr7-5986922-C-T. GRCh37 (hg19) VCF-style: chr7-6026553-C-T.
Other names: c.1438G>A, p.Val480Ile (NM_001322003.2, NM_001322004.2, NM_001322005.2 and 1 more transcripts); c.1687G>A, p.Val563Ile (NM_001322006.2); c.1525G>A, p.Val509Ile (NM_001322007.2, NM_001322008.2); c.1282G>A, p.Val428Ile (NM_001322010.2); c.910G>A, p.Val304Ile (NM_001322011.2, NM_001322012.2); c.1270G>A, p.Val424Ile (NM_001322013.2); c.1843G>A, p.Val615Ile (NM_001322014.2); c.1534G>A, p.Val512Ile (NM_001322015.2); and 1 more; short protein forms V428I, V509I, V563I, V615I, V304I, V424I, V480I, V512I.
Identifiers: ClinVar variation 923770 (VCV000923770.11), dbSNP rs1782962260, ClinGen allele CA366739619.